The following is an entry in ClinVar:

ClinVar aggregate classification (germline): Uncertain significance (1 of 4 stars; one submission).

Conditions:
Severe combined immunodeficiency due to DNA-PKcs deficiency. Also called: IMMUNODEFICIENCY 26 WITH NEUROLOGIC ABNORMALITIES; Immunodeficiency 26 with or without neurologic abnormalities. Identifiers: Orphanet 317425, MedGen C4014833, MONDO:0014423, OMIM 615966.

Allele frequency attached by ClinVar (database versions not stated): gnomAD exomes 0.00006 and 0.00010; ExAC 0.00009; TOPMed 0.00009; gnomAD 0.00011; 1000 Genomes Project 0.00020; 1000 Genomes Project 30x 0.00031.
gnomAD v4.1: 104 of 1,612,080 alleles (0.0065%); highest among the groups gnomAD compares: Middle Eastern, 0.05%; no homozygotes.

Submission:

Labcorp Genetics (formerly Invitae), Labcorp
Classification: Uncertain significance for Severe combined immunodeficiency due to DNA-PKcs deficiency. Last evaluated: 2022-09-19. Review status: criteria provided, single submitter. Criteria: Invitae Variant Classification Sherloc (09022015). Collection method: clinical testing. Allele origin: germline.
Comment: This sequence change replaces arginine, which is basic and polar, with glycine, which is neutral and non-polar, at codon 1274 of the PRKDC protein (p.Arg1274Gly). This variant is present in population databases (rs559349334, gnomAD 0.06%). This variant has not been reported in the literature in individuals affected with PRKDC-related conditions. ClinVar contains an entry for this variant (Variation ID: 648057). Algorithms developed to predict the effect of missense changes on protein structure and function output the following: SIFT: "Not Available"; PolyPhen-2: "Not Available"; Align-GVGD: "Not Available". The glycine amino acid residue is found in multiple mammalian species, which suggests that this missense change does not adversely affect protein function. In summary, the available evidence is currently insufficient to determine the role of this variant in disease. Therefore, it has been classified as a Variant of Uncertain Significance.

NM_006904.7(PRKDC):c.3820A>G (p.Arg1274Gly)

Gene: PRKDC (protein kinase, DNA-activated, catalytic subunit; minus strand). Cytogenetic location: 8q11.21.
Variant type: single nucleotide variant.
Coding change: c.3820A>G on transcript NM_006904.7 (MANE Select); coding-DNA position 3820, A replaced by G.
Protein change: p.Arg1274Gly; replaces arginine 1274 with glycine.
Molecular consequence: missense variant.
Genome position (GRCh38, 1-based): chr8:47,893,166, T>C on the plus strand (A>G on the coding strand, the complement: PRKDC is on the minus strand). VCF-style: chr8-47893166-T-C. GRCh37 (hg19) VCF-style: chr8-48805727-T-C.
Other names: c.3820A>G, p.Arg1274Gly (NM_001081640.2); short protein forms R1274G.
Identifiers: ClinVar variation 648057 (VCV000648057.6), dbSNP rs559349334, ClinGen allele CA4741082.